The following is an entry in ClinVar:

NM_014975.3(MAST1):c.511T>A (p.Tyr171Asn)

Genes: MAST1 (microtubule associated serine/threonine kinase 1; plus strand), LOC117125587 (CRISPRi-FlowFISH-validated KLF1 and PRDX2 regulatory element; plus strand). Cytogenetic location: 19p13.13.
Variant type: single nucleotide variant.
Coding change: c.511T>A on transcript NM_014975.3 (MANE Select); coding-DNA position 511, T replaced by A.
Protein change: p.Tyr171Asn; replaces tyrosine 171 with asparagine.
Molecular consequence: missense variant.
Genome position (GRCh38, 1-based): chr19:12,847,634, T>A. VCF-style: chr19-12847634-T-A. GRCh37 (hg19) VCF-style: chr19-12958448-T-A.
Other names: short protein forms Y171N.
Identifiers: ClinVar variation 4086619 (VCV004086619.1).

ClinVar aggregate classification (germline): Uncertain significance (1 of 4 stars; one submission).

gnomAD v4.1: 1 of 1,614,000 alleles (0.000062%); highest among the groups gnomAD compares: African/African-American, 0.0013%; no homozygotes.

Submission:

GeneDx
Classification: Uncertain significance. Last evaluated: 2025-03-18. Review status: criteria provided, single submitter. Criteria: GeneDx Variant Classification Process June 2021. Collection method: clinical testing. Allele origin: germline. Affected: yes.
Comment: Not observed at significant frequency in large population cohorts (gnomAD); In silico analysis supports that this missense variant has a deleterious effect on protein structure/function; Has not been previously published as pathogenic or benign to our knowledge